The following is an entry in ClinVar:

ClinVar aggregate classification (germline): Uncertain significance (1 of 4 stars; one submission).

Conditions:
Familial hemophagocytic lymphohistiocytosis 4 (FHL4). Also called: STX11-Related Familial Hemophagocytic Lymphohistiocytosis (STX11-fHLH). Identifiers: Orphanet 540, MedGen C1863728, MONDO:0011336, OMIM 603552.

Allele frequency attached by ClinVar (database versions not stated): gnomAD exomes below 0.00001; gnomAD 0.00001.
gnomAD v4.1: 4 of 1,612,346 alleles (0.00025%); highest among the groups gnomAD compares: African/African-American, 0.0013%; no homozygotes.

Submission:

Labcorp Genetics (formerly Invitae), Labcorp
Classification: Uncertain significance for Familial hemophagocytic lymphohistiocytosis 4. Last evaluated: 2022-08-21. Review status: criteria provided, single submitter. Criteria: Invitae Variant Classification Sherloc (09022015). Collection method: clinical testing. Allele origin: germline.
Comment: This sequence change replaces histidine, which is basic and polar, with arginine, which is basic and polar, at codon 225 of the STX11 protein (p.His225Arg). This variant is present in population databases (no rsID available, gnomAD 0.004%). This variant has not been reported in the literature in individuals affected with STX11-related conditions. Algorithms developed to predict the effect of missense changes on protein structure and function (SIFT, PolyPhen-2, Align-GVGD) all suggest that this variant is likely to be tolerated. In summary, the available evidence is currently insufficient to determine the role of this variant in disease. Therefore, it has been classified as a Variant of Uncertain Significance.

NM_003764.4(STX11):c.674A>G (p.His225Arg)

Gene: STX11 (syntaxin 11; plus strand). Cytogenetic location: 6q24.2.
Variant type: single nucleotide variant.
Coding change: c.674A>G on transcript NM_003764.4 (MANE Select); coding-DNA position 674, A replaced by G.
Protein change: p.His225Arg; replaces histidine 225 with arginine.
Molecular consequence: missense variant.
Genome position (GRCh38, 1-based): chr6:144,187,301, A>G. VCF-style: chr6-144187301-A-G. GRCh37 (hg19) VCF-style: chr6-144508438-A-G.
Other names: short protein forms H225R.
Identifiers: ClinVar variation 2177298 (VCV002177298.1), dbSNP rs1391152639, ClinGen allele CA365949751.